The following is an entry in ClinVar:

NM_000059.4(BRCA2):c.7450C>T (p.Leu2484Phe)

Gene: BRCA2 (BRCA2 DNA repair associated; plus strand). Cytogenetic location: 13q13.1.
Variant type: single nucleotide variant.
Coding change: c.7450C>T on transcript NM_000059.4 (MANE Select); coding-DNA position 7450, C replaced by T.
Protein change: p.Leu2484Phe; replaces leucine 2484 with phenylalanine.
Molecular consequence: missense variant. On other transcripts: non-coding transcript variant (1).
Genome position (GRCh38, 1-based): chr13:32,356,442, C>T. VCF-style: chr13-32356442-C-T. GRCh37 (hg19) VCF-style: chr13-32930579-C-T.
Other names: c.1033C>T, p.Leu345Phe (NM_001406722.1); c.7450C>T, p.Leu2484Phe (NM_001432077.1, NM_001406720.1); c.7354C>T, p.Leu2452Phe (NM_001406719.1); c.2518C>T, p.Leu840Phe (NM_001406721.1); short protein forms L2484F, L840F, L2452F, L345F.
Identifiers: ClinVar variation 3636521 (VCV003636521.2).
Genomic context (GRCh38, chr13:32,356,442, plus strand): 5'-TTTTAAATTTCAATTTTATTTTTGCTAAGTATTTATTCTTTGATAGATTTAATTACAAGT[C>T]TTCAGAATGCCAGAGATATACAGGATATGCGAATTAAGAAGAAACAAAGGCAACGCGTCT-3'
Protein context (NP_000050.3, residues 2474-2494): EEEPLDLITS[Leu2484Phe]QNARDIQDMR

ClinVar aggregate classification (germline): Uncertain significance (1 of 4 stars; one submission).

Conditions:
Hereditary breast ovarian cancer syndrome. Also called: Hereditary breast and ovarian cancer syndrome; Hereditary breast and ovarian cancer syndrome (HBOC); BRCA1- and BRCA2-Associated Hereditary Breast and Ovarian Cancer; Hereditary breast and ovarian cancer; Breast and ovarian cancer; Hereditary breast and/or ovarian cancer syndrome. Identifiers: Orphanet 145, MedGen C0677776, MeSH D061325, MONDO:0003582. Disease mechanism: loss of function.

Submission:

Labcorp Genetics (formerly Invitae), Labcorp
Classification: Uncertain significance for Hereditary breast ovarian cancer syndrome. Last evaluated: 2024-06-22. Review status: criteria provided, single submitter. Criteria: Invitae Variant Classification Sherloc (09022015). Collection method: clinical testing. Allele origin: germline.
Comment: This sequence change replaces leucine, which is neutral and non-polar, with phenylalanine, which is neutral and non-polar, at codon 2484 of the BRCA2 protein (p.Leu2484Phe). This variant is not present in population databases (gnomAD no frequency). This variant has not been reported in the literature in individuals affected with BRCA2-related conditions. Advanced modeling of protein sequence and biophysical properties (such as structural, functional, and spatial information, amino acid conservation, physicochemical variation, residue mobility, and thermodynamic stability) performed at Invitae indicates that this missense variant is not expected to disrupt BRCA2 protein function with a negative predictive value of 95%. In summary, the available evidence is currently insufficient to determine the role of this variant in disease. Therefore, it has been classified as a Variant of Uncertain Significance.